The following is an entry in ClinVar:

NM_007194.4(CHEK2):c.1182A>T (p.Glu394Asp)

Gene: CHEK2 (checkpoint kinase 2; minus strand). Cytogenetic location: 22q12.1.
Variant type: single nucleotide variant.
Coding change: c.1182A>T on transcript NM_007194.4 (MANE Select); coding-DNA position 1182, A replaced by T.
Protein change: p.Glu394Asp; replaces glutamic acid 394 with aspartic acid.
Molecular consequence: missense variant.
Genome position (GRCh38, 1-based): chr22:28,695,787, T>A on the plus strand (A>T on the coding strand, the complement: CHEK2 is on the minus strand). VCF-style: chr22-28695787-T-A. GRCh37 (hg19) VCF-style: chr22-29091775-T-A.
Other names: c.1311A>T, p.Glu437Asp (NM_001005735.3); c.519A>T, p.Glu173Asp (NM_001257387.3); c.981A>T, p.Glu327Asp (NM_001349956.3); c.1095A>T, p.Glu365Asp (NM_145862.3); short protein forms E394D, E327D, E437D, E365D, E173D.
Identifiers: ClinVar variation 185427 (VCV000185427.23), dbSNP rs786202164, ClinGen allele CA191924.

ClinVar aggregate classification (germline): Uncertain significance. Review status: criteria provided, multiple submitters, no conflicts (2 of 4 stars). 6 submissions from 6 submitters: Uncertain significance (6). Last evaluated 2026-01-28.

Conditions:
Hereditary cancer-predisposing syndrome. Also called: Neoplastic Syndromes, Hereditary; Hereditary neoplastic syndrome; Tumor predisposition; Hereditary Cancer Syndrome. Identifiers: Orphanet 140162, MedGen C0027672, MeSH D009386, MONDO:0015356.
Familial cancer of breast. Also called: BREAST CANCER, FAMILIAL; Hereditary breast cancer; hereditary breast carcinoma. Identifiers: Orphanet 227535, MedGen C0346153, MONDO:0016419, OMIM 114480. Disease mechanism: loss of function.

Allele frequency attached by ClinVar (database versions not stated): gnomAD 0.00001; TOPMed 0.00003; gnomAD exomes below 0.00001.
gnomAD v4.1: 3 of 1,613,750 alleles (0.00019%); highest among the groups gnomAD compares: African/African-American, 0.004%; no homozygotes.

Submissions (6):

Labcorp Genetics (formerly Invitae), Labcorp
Classification: Uncertain significance for Familial cancer of breast. Last evaluated: 2026-01-28. Review status: criteria provided, single submitter. Criteria: Invitae Variant Classification Sherloc (09022015). Collection method: clinical testing. Allele origin: germline.
Comment: This sequence change replaces glutamic acid, which is acidic and polar, with aspartic acid, which is acidic and polar, at codon 394 of the CHEK2 protein (p.Glu394Asp). This variant is present in population databases (rs786202164, gnomAD 0.008%). This missense change has been observed in individual(s) with breast cancer (PMID: 21244692). ClinVar contains an entry for this variant (Variation ID: 185427). An algorithm developed to predict the effect of missense changes on protein structure and function (PolyPhen-2) suggests that this variant is likely to be disruptive. Experimental studies have shown that this missense change does not substantially affect CHEK2 function (PMID: 37449874). In summary, the available evidence is currently insufficient to determine the role of this variant in disease. Therefore, it has been classified as a Variant of Uncertain Significance.

Ambry Genetics
Classification: Uncertain significance for Hereditary cancer-predisposing syndrome. Last evaluated: 2025-07-25. Review status: criteria provided, single submitter. Criteria: Ambry Variant Classification Scheme 2023. Collection method: clinical testing. Allele origin: germline.
Comment: The p.E394D variant (also known as c.1182A>T), located in coding exon 10 of the CHEK2 gene, results from an A to T substitution at nucleotide position 1182. The glutamic acid at codon 394 is replaced by aspartic acid, an amino acid with highly similar properties. This alteration was reported as functional in a study assessing CHEK2-complementation through quantification of KAP1 phosphorylation and CHK2 autophosphorylation in human RPE1-CHEK2-knockout cells (Stolarova L et al. Clin Cancer Res, 2023 Aug;29:3037-3050). This amino acid position is highly conserved in available vertebrate species. In addition, this alteration is predicted to be deleterious by in silico analysis. Based on the available evidence, the clinical significance of this variant remains unclear.

GeneDx
Classification: Uncertain significance. Last evaluated: 2025-04-21. Review status: criteria provided, single submitter. Criteria: GeneDx Variant Classification Process June 2021. Collection method: clinical testing. Allele origin: germline.
Comment: Not observed at significant frequency in large population cohorts (gnomAD); In silico analysis supports that this missense variant has a deleterious effect on protein structure/function; This variant is associated with the following publications: (PMID: 26787654, 36200007, 21244692)

Baylor Genetics
Classification: Uncertain significance for Familial cancer of breast. Last evaluated: 2023-10-30. Review status: criteria provided, single submitter. Criteria: ACMG Guidelines, 2015. Collection method: clinical testing. Allele origin: unknown.

Quest Diagnostics Nichols Institute San Juan Capistrano
Classification: Uncertain significance. Last evaluated: 2023-10-26. Review status: criteria provided, single submitter. Criteria: Quest Diagnostics criteria. Collection method: clinical testing. Allele origin: unknown.
Comment: The CHEK2 c.1182A>T (p.Glu394Asp) variant has been reported in the published literature in an individual with breast cancer (PMID: 36200007 (2022)) as well as in an unaffected individual control (PMID: 21244692 (2011)). Functional studies showed inconclusive results regarding the variant's impact on protein function (PMID: 37449874 (2023)). The frequency of this variant in the general population, 0.00008 (2/24946 chromosomes (Genome Aggregation Database)), is uninformative in the assessment of its pathogenicity. Analysis of this variant using bioinformatics tools for the prediction of the effect of amino acid changes on protein structure and function yielded predictions that this variant is damaging. Based on the available information, we are unable to determine the clinical significance of this variant.

Color Diagnostics, LLC DBA Color Health
Classification: Uncertain significance for Hereditary cancer-predisposing syndrome. Last evaluated: 2019-03-05. Review status: criteria provided, single submitter. Criteria: ACMG Guidelines, 2015. Collection method: clinical testing. Allele origin: germline.

Literature cited by the submitters: PubMed 21244692 (cited by Labcorp Genetics (formerly Invitae), Labcorp and Quest Diagnostics Nichols Institute San Juan Capistrano); PubMed 37449874 (cited by 3 submitters); PubMed 26787654 (cited by Quest Diagnostics Nichols Institute San Juan Capistrano); PubMed 27153395 (cited by Quest Diagnostics Nichols Institute San Juan Capistrano); PubMed 36200007 (cited by Quest Diagnostics Nichols Institute San Juan Capistrano).